The following is an entry in ClinVar:

ClinVar aggregate classification (germline): Uncertain significance (1 of 4 stars; one submission).

gnomAD v4.1: 2 of 1,612,102 alleles (0.00012%); highest among the groups gnomAD compares: South Asian, 0.0022%; no homozygotes.

Submission:

Labcorp Genetics (formerly Invitae), Labcorp
Classification: Uncertain significance. Last evaluated: 2022-03-25. Review status: criteria provided, single submitter. Criteria: Invitae Variant Classification Sherloc (09022015). Collection method: clinical testing. Allele origin: germline.
Comment: Algorithms developed to predict the effect of missense changes on protein structure and function (SIFT, PolyPhen-2, Align-GVGD) all suggest that this variant is likely to be tolerated. This sequence change replaces serine, which is neutral and polar, with cysteine, which is neutral and slightly polar, at codon 248 of the GEN1 protein (p.Ser248Cys). This variant is not present in population databases (gnomAD no frequency). This variant has not been reported in the literature in individuals affected with GEN1-related conditions. In summary, the available evidence is currently insufficient to determine the role of this variant in disease. Therefore, it has been classified as a Variant of Uncertain Significance.

NM_001130009.3(GEN1):c.743C>G (p.Ser248Cys)

Gene: GEN1 (GEN1 structure-specific endonuclease; plus strand). Cytogenetic location: 2p24.2.
Variant type: single nucleotide variant.
Coding change: c.743C>G on transcript NM_001130009.3 (MANE Select); coding-DNA position 743, C replaced by G.
Protein change: p.Ser248Cys; replaces serine 248 with cysteine.
Molecular consequence: missense variant.
Genome position (GRCh38, 1-based): chr2:17,771,228, C>G. VCF-style: chr2-17771228-C-G. GRCh37 (hg19) VCF-style: chr2-17952495-C-G.
Other names: c.743C>G, p.Ser248Cys (NM_182625.5); short protein forms S248C.
Identifiers: ClinVar variation 1430812 (VCV001430812.8), dbSNP rs2125143020, ClinGen allele CA345914873.